The following is an entry in ClinVar:

NM_001080508.3(TBX18):c.1525G>A (p.Ala509Thr)

Gene: TBX18 (T-box transcription factor 18; minus strand). Cytogenetic location: 6q14.3.
Variant type: single nucleotide variant.
Coding change: c.1525G>A on transcript NM_001080508.3 (MANE Select); coding-DNA position 1525, G replaced by A.
Protein change: p.Ala509Thr; replaces alanine 509 with threonine.
Molecular consequence: missense variant.
Genome position (GRCh38, 1-based): chr6:84,736,984, C>T on the plus strand (G>A on the coding strand, the complement: TBX18 is on the minus strand). VCF-style: chr6-84736984-C-T. GRCh37 (hg19) VCF-style: chr6-85446702-C-T.
Other names: short protein forms A509T.
Identifiers: ClinVar variation 4632787 (VCV004632787.2).

ClinVar aggregate classification (germline): Uncertain significance. Review status: criteria provided, multiple submitters, no conflicts (2 of 4 stars). 2 submissions from 2 submitters: Uncertain significance (2). Last evaluated 2025-11-26.

Conditions:
Inborn genetic diseases. Identifiers: MedGen C0950123, MeSH D030342.

Submissions (2):

Ambry Genetics
Classification: Uncertain significance for Inborn genetic diseases. Last evaluated: 2025-11-26. Review status: criteria provided, single submitter. Criteria: Ambry Variant Classification Scheme 2023. Collection method: clinical testing. Allele origin: germline.

Labcorp Genetics (formerly Invitae), Labcorp
Classification: Uncertain significance. Last evaluated: 2025-11-23. Review status: criteria provided, single submitter. Criteria: Invitae Variant Classification Sherloc (09022015). Collection method: clinical testing. Allele origin: germline.
Comment: This sequence change replaces alanine, which is neutral and non-polar, with threonine, which is neutral and polar, at codon 509 of the TBX18 protein (p.Ala509Thr). This variant is present in population databases (rs767328277, gnomAD 0.02%). This variant has not been reported in the literature in individuals affected with TBX18-related conditions. Invitae Evidence Modeling of protein sequence and biophysical properties (such as structural, functional, and spatial information, amino acid conservation, physicochemical variation, residue mobility, and thermodynamic stability) indicates that this missense variant is not expected to disrupt TBX18 protein function with a negative predictive value of 80%. In summary, the available evidence is currently insufficient to determine the role of this variant in disease. Therefore, it has been classified as a Variant of Uncertain Significance.